The following is an entry in ClinVar:

NM_152594.3(SPRED1):c.233A>G (p.Lys78Arg)

Gene: SPRED1 (sprouty related EVH1 domain containing 1; plus strand). Cytogenetic location: 15q14.
Variant type: single nucleotide variant.
Coding change: c.233A>G on transcript NM_152594.3 (MANE Select); coding-DNA position 233, A replaced by G.
Protein change: p.Lys78Arg; replaces lysine 78 with arginine.
Molecular consequence: missense variant.
Genome position (GRCh38, 1-based): chr15:38,322,266, A>G. VCF-style: chr15-38322266-A-G. GRCh37 (hg19) VCF-style: chr15-38614467-A-G.
Other names: short protein forms K78R.
Identifiers: ClinVar variation 1789831 (VCV001789831.2), dbSNP rs2542695495, ClinGen allele CA391931935.
Genomic context (GRCh38, chr15:38,322,266, plus strand): 5'-ATGTATATTAATTTTTGGTATTTGGCTTTTGTCAGGTGGTTTTGGAATGTATGCTTAAAA[A>G]AGACCTCATTTATAATAAGGTCACTCCAACATTTCACCACTGGAAGATTGATGACAAGAA-3'
Protein context (NP_689807.1, residues 68-88): KMVVLECMLK[Lys78Arg]DLIYNKVTPT

ClinVar aggregate classification (germline): Uncertain significance (1 of 4 stars; one submission).

Conditions:
Cardiovascular phenotype. Identifiers: MedGen CN230736.

Allele frequency attached by ClinVar (database versions not stated): gnomAD exomes below 0.00001.
gnomAD v4.1: 1 of 1,613,880 alleles (0.000062%); highest among the groups gnomAD compares: Non-Finnish European, 0.000085%; no homozygotes.

Submission:

Ambry Genetics
Classification: Uncertain significance for Cardiovascular phenotype. Last evaluated: 2021-12-24. Review status: criteria provided, single submitter. Criteria: Ambry Variant Classification Scheme 2023. Collection method: clinical testing. Allele origin: germline.
Comment: The p.K78R variant (also known as c.233A>G), located in coding exon 3 of the SPRED1 gene, results from an A to G substitution at nucleotide position 233. The lysine at codon 78 is replaced by arginine, an amino acid with highly similar properties. This amino acid position is conserved. In addition, the in silico prediction for this alteration is inconclusive. Since supporting evidence is limited at this time, the clinical significance of this alteration remains unclear.